The following is an entry in ClinVar:

NM_006493.4(CLN5):c.761C>T (p.Thr254Ile)

Gene: CLN5 (CLN5 lysosomal BMP synthase; plus strand). Cytogenetic location: 13q22.3.
Variant type: single nucleotide variant.
Coding change: c.761C>T on transcript NM_006493.4 (MANE Select); coding-DNA position 761, C replaced by T.
Protein change: p.Thr254Ile; replaces threonine 254 with isoleucine.
Molecular consequence: missense variant. On other transcripts: 3 prime UTR variant (1).
Genome position (GRCh38, 1-based): chr13:77,000,653, C>T. VCF-style: chr13-77000653-C-T. GRCh37 (hg19) VCF-style: chr13-77574788-C-T.
Other names: c.908C>T, p.Thr303Ile (LRG_692t1); c.*210C>T (NM_001366624.2); short protein forms T254I.
Identifiers: ClinVar variation 95399 (VCV000095399.7), dbSNP rs398124228, ClinGen allele CA222953.
Genomic context (GRCh38, chr13:77,000,653, plus strand): 5'-TTGTGTTAAGGACCTTTAACAAGTTGGCTGAATTTGGAGCAGAGTTCAAGAACATAGAAA[C>T]CAACTATACAAGAATATTTCTTTACAGTGGAGAACCTACTTATCTGGGAAATGAAACATC-3'
Protein context (NP_006484.2, residues 244-264): EFGAEFKNIE[Thr254Ile]NYTRIFLYSG

ClinVar aggregate classification (germline): Uncertain significance. Review status: criteria provided, multiple submitters, no conflicts (2 of 4 stars). 2 submissions from 2 submitters: Uncertain significance (2). Last evaluated 2023-04-10.

Allele frequency attached by ClinVar (database versions not stated): TOPMed 0.00001; gnomAD 0.00001.
gnomAD v4.1: 3 of 1,613,872 alleles (0.00019%); highest among the groups gnomAD compares: Non-Finnish European, 0.00025%; no homozygotes.

Submissions (2):

GeneDx
Classification: Uncertain significance. Last evaluated: 2023-04-10. Review status: criteria provided, single submitter. Criteria: GeneDx Variant Classification Process June 2021. Collection method: clinical testing. Allele origin: germline. Affected: yes.
Comment: Not observed at significant frequency in large population cohorts (gnomAD); In silico analysis supports that this missense variant has a deleterious effect on protein structure/function; Has not been previously published as pathogenic or benign to our knowledge

Eurofins Ntd Llc (ga)
Classification: Uncertain significance. Last evaluated: 2013-08-12. Review status: criteria provided, single submitter. Criteria: EGL Classification Definitions 2015. Collection method: clinical testing. Allele origin: germline. Observed: 1 variant allele, 1 heterozygote.